The following is an entry in ClinVar:

ClinVar aggregate classification (germline): Uncertain significance (1 of 4 stars; one submission).

Allele frequency attached by ClinVar (database versions not stated): ExAC 0.00002; TOPMed 0.00002; gnomAD exomes 0.00005; gnomAD 0.00003.
gnomAD v4.1: 81 of 1,595,258 alleles (0.0051%); highest among the groups gnomAD compares: Non-Finnish European, 0.0067%; no homozygotes.

Submission:

Labcorp Genetics (formerly Invitae), Labcorp
Classification: Uncertain significance. Last evaluated: 2025-11-18. Review status: criteria provided, single submitter. Criteria: Invitae Variant Classification Sherloc (09022015). Collection method: clinical testing. Allele origin: germline.
Comment: This sequence change creates a premature translational stop signal (p.Gln678*) in the DDX58 gene. It is expected to result in an absent or disrupted protein product. However, the current clinical and genetic evidence is not sufficient to establish whether loss-of-function variants in DDX58 cause disease. This variant is present in population databases (rs755292121, gnomAD 0.004%). This variant has not been reported in the literature in individuals affected with DDX58-related conditions. ClinVar contains an entry for this variant (Variation ID: 3023973). In summary, the available evidence is currently insufficient to determine the role of this variant in disease. Therefore, it has been classified as a Variant of Uncertain Significance.

NM_014314.4(RIGI):c.2032C>T (p.Gln678Ter)

Gene: RIGI (RNA sensor RIG-I; minus strand). Cytogenetic location: 9p21.1.
Variant type: single nucleotide variant.
Coding change: c.2032C>T on transcript NM_014314.4 (MANE Select); coding-DNA position 2032, C replaced by T.
Protein change: p.Gln678Ter; replaces glutamine 678 with a stop codon.
Molecular consequence: nonsense. On other transcripts: intron variant (1).
Genome position (GRCh38, 1-based): chr9:32,467,915, G>A on the plus strand (C>T on the coding strand, the complement: RIGI is on the minus strand). VCF-style: chr9-32467915-G-A. GRCh37 (hg19) VCF-style: chr9-32467913-G-A.
Other names: c.2026C>T, p.Gln676Ter (NM_001385907.1); c.1591C>T, p.Gln531Ter (NM_001385910.1); c.1423C>T, p.Gln475Ter (NM_001385912.1); c.2017C>T, p.Gln673Ter (NM_001385913.1); c.1588C>T, p.Gln530Ter (NM_001385914.1); c.2015-1474C>T (NM_001385909.1); short protein forms Q530*, Q475*, Q531*, Q678*, Q673*, Q676*.
Identifiers: ClinVar variation 3023973 (VCV003023973.3), dbSNP rs755292121, ClinGen allele CA5019596.